The following is an entry in ClinVar:

NM_014727.3(KMT2B):c.2003C>T (p.Pro668Leu)

Gene: KMT2B (lysine methyltransferase 2B; plus strand). Cytogenetic location: 19q13.12.
Variant type: single nucleotide variant.
Coding change: c.2003C>T on transcript NM_014727.3 (MANE Select); coding-DNA position 2003, C replaced by T.
Protein change: p.Pro668Leu; replaces proline 668 with leucine.
Molecular consequence: missense variant.
Genome position (GRCh38, 1-based): chr19:35,721,350, C>T. VCF-style: chr19-35721350-C-T. GRCh37 (hg19) VCF-style: chr19-36212252-C-T.
Other names: short protein forms P668L.
Identifiers: ClinVar variation 1031292 (VCV001031292.1), dbSNP rs1479465736, ClinGen allele CA405395174.
Genomic context (GRCh38, chr19:35,721,350, plus strand): 5'-GGGCCCCTCAGTTTACCCCAAGCGAAGCCCACCTGAAGATCTACGAATCGGTGCTTACTC[C>T]TCCTCCTCTTGGGGCTCCTGAAGCCCCTGAGCCAGAGCCTCCTCCTGCCGATGACTCTCC-3'
Protein context (NP_055542.1, residues 658-678): HLKIYESVLT[Pro668Leu]PPLGAPEAPE

ClinVar aggregate classification (germline): Uncertain significance (1 of 4 stars; one submission).

Conditions:
Dystonia 28, childhood-onset (DYT28). Also called: KMT2B-Related Dystonia (DYT-KMT2B). Identifiers: Orphanet 589618, MedGen C4310633, MONDO:0015004, OMIM 617284.

Submission:

Baylor Genetics
Classification: Uncertain significance for Dystonia 28, childhood-onset. Last evaluated: 2020-06-03. Review status: criteria provided, single submitter. Criteria: ACMG Guidelines, 2015. Collection method: clinical testing. Allele origin: unknown. Affected: yes.
Comment: This variant was determined to be of uncertain significance according to ACMG Guidelines, 2015 [PMID:25741868].